The following is an entry in ClinVar:

ClinVar aggregate classification (germline): Uncertain significance. Review status: criteria provided, multiple submitters, no conflicts (2 of 4 stars). 2 submissions from 2 submitters: Uncertain significance (2). Last evaluated 2025-10-27.

Conditions:
Alzheimer disease. Also called: Presenile and senile dementia; Alzheimer's disease. Identifiers: Orphanet 1020, MedGen C0002395, MeSH D000544, MONDO:0004975, HP:0002511.

Allele frequency attached by ClinVar (database versions not stated): gnomAD exomes 0.00001; ExAC 0.00003; gnomAD 0.00003; TOPMed 0.00003.
gnomAD v4.1: 16 of 1,613,132 alleles (0.00099%); highest among the groups gnomAD compares: Admixed American, 0.015%; no homozygotes.

Submissions (2):

Women's Health and Genetics/Laboratory Corporation of America, LabCorp
Classification: Uncertain significance. Last evaluated: 2025-10-27. Review status: criteria provided, single submitter. Criteria: LabCorp Variant Classification Summary - May 2015. Collection method: clinical testing. Allele origin: germline.
Comment: Variant summary: APP c.1680T>A (p.Asp560Glu) results in a conservative amino acid change in the encoded protein sequence. Algorithms developed to predict the effect of missense changes on protein structure and function are either unavailable or do not agree on the potential impact of this missense change. The variant allele was found at a frequency of 3.2e-05 in 250878 control chromosomes. The available data on variant occurrences in the general population are insufficient to allow any conclusion about variant significance. To our knowledge, no occurrence of c.1680T>A in individuals affected with APP-related conditions and no experimental evidence demonstrating its impact on protein function have been reported. ClinVar contains an entry for this variant (Variation ID: 2046085). Based on the evidence outlined above, the variant was classified as uncertain significance.

Labcorp Genetics (formerly Invitae), Labcorp
Classification: Uncertain significance for Alzheimer disease. Last evaluated: 2022-09-12. Review status: criteria provided, single submitter. Criteria: Invitae Variant Classification Sherloc (09022015). Collection method: clinical testing. Allele origin: germline.
Comment: This sequence change replaces aspartic acid, which is acidic and polar, with glutamic acid, which is acidic and polar, at codon 560 of the APP protein (p.Asp560Glu). This variant is present in population databases (rs201031674, gnomAD 0.02%). This variant has not been reported in the literature in individuals affected with APP-related conditions. Advanced modeling of protein sequence and biophysical properties (such as structural, functional, and spatial information, amino acid conservation, physicochemical variation, residue mobility, and thermodynamic stability) performed at Invitae indicates that this missense variant is not expected to disrupt APP protein function. In summary, the available evidence is currently insufficient to determine the role of this variant in disease. Therefore, it has been classified as a Variant of Uncertain Significance.

NM_000484.4(APP):c.1680T>A (p.Asp560Glu)

Gene: APP (amyloid beta precursor protein; minus strand). Cytogenetic location: 21q21.3.
Variant type: single nucleotide variant.
Coding change: c.1680T>A on transcript NM_000484.4 (MANE Select); coding-DNA position 1680, T replaced by A.
Protein change: p.Asp560Glu; replaces aspartic acid 560 with glutamic acid.
Molecular consequence: missense variant.
Genome position (GRCh38, 1-based): chr21:25,954,597, A>T on the plus strand (T>A on the coding strand, the complement: APP is on the minus strand). VCF-style: chr21-25954597-A-T. GRCh37 (hg19) VCF-style: chr21-27326911-A-T.
Other names: c.1608T>A, p.Asp536Glu (NM_001136016.3); c.1287T>A, p.Asp429Glu (NM_001136129.3); c.1512T>A, p.Asp504Glu (NM_001136130.3, NM_001385253.1); c.1350T>A, p.Asp450Glu (NM_001136131.3); c.1680T>A, p.Asp560Glu (NM_001204301.2); c.1623T>A, p.Asp541Glu (NM_001204302.2, NM_201413.3); c.1455T>A, p.Asp485Glu (NM_001204303.2, NM_201414.3); short protein forms D485E, D560E, D450E, D429E, D504E, D536E, D541E.
Identifiers: ClinVar variation 2046085 (VCV002046085.5), dbSNP rs201031674, ClinGen allele CA9987241.
Genomic context (GRCh38, chr21:25,954,597, plus strand): 5'-CTCTGGGGGAAAATACATGTCCATGTGCAGCATCAAAAGAACAGCTTACTTACCAACTTC[A>T]TCCTGAATCTCCTCGGCCACTGCAGGCACGTTGTAGAGCAGGGAGAGAGACTGATTCATG-3'
Protein context (NP_000475.1, residues 550-570): NVPAVAEEIQ[Asp560Glu]EVDELLQKEQ